The following is an entry in ClinVar:

ClinVar aggregate classification (germline): Uncertain significance (1 of 4 stars; one submission).

Conditions:
POLD1-related polyposis and colorectal cancer syndrome (CRCS10). Also called: Colorectal cancer, susceptibility to, 10; Colorectal cancer 10; COLORECTAL CANCER, SUSCEPTIBILITY TO, ON CHROMOSOME 19q. Identifiers: Orphanet 220460, MedGen C2675481, MONDO:0012953, OMIM 612591.

gnomAD v4.1: 1 of 1,560,522 alleles (0.000064%); highest among the groups gnomAD compares: East Asian, 0.0023%; no homozygotes.

Submission:

Labcorp Genetics (formerly Invitae), Labcorp
Classification: Uncertain significance for POLD1-related polyposis and colorectal cancer syndrome. Last evaluated: 2024-07-31. Review status: criteria provided, single submitter. Criteria: Invitae Variant Classification Sherloc (09022015). Collection method: clinical testing. Allele origin: germline.
Comment: This sequence change replaces alanine, which is neutral and non-polar, with serine, which is neutral and polar, at codon 930 of the POLD1 protein (p.Ala930Ser). This variant is not present in population databases (gnomAD no frequency). This variant has not been reported in the literature in individuals affected with POLD1-related conditions. ClinVar contains an entry for this variant (Variation ID: 657203). Advanced modeling of protein sequence and biophysical properties (such as structural, functional, and spatial information, amino acid conservation, physicochemical variation, residue mobility, and thermodynamic stability) performed at Invitae indicates that this missense variant is not expected to disrupt POLD1 protein function with a negative predictive value of 80%. In summary, the available evidence is currently insufficient to determine the role of this variant in disease. Therefore, it has been classified as a Variant of Uncertain Significance.

NM_002691.4(POLD1):c.2788G>T (p.Ala930Ser)

Gene: POLD1 (DNA polymerase delta 1, catalytic subunit; plus strand). Cytogenetic location: 19q13.33.
Variant type: single nucleotide variant.
Coding change: c.2788G>T on transcript NM_002691.4 (MANE Select); coding-DNA position 2788, G replaced by T.
Protein change: p.Ala930Ser; replaces alanine 930 with serine.
Molecular consequence: missense variant.
Genome position (GRCh38, 1-based): chr19:50,415,794, G>T. VCF-style: chr19-50415794-G-T. GRCh37 (hg19) VCF-style: chr19-50919051-G-T.
Other names: c.2788G>T, p.Ala930Ser (LRG_785t1, NM_001256849.1); c.2866G>T, p.Ala956Ser (LRG_785t2, NM_001308632.1); short protein forms A956S, A930S.
Identifiers: ClinVar variation 657203 (VCV000657203.8), dbSNP rs144111108, ClinGen allele CA406986033.